The following is an entry in ClinVar:

NM_001848.3(COL6A1):c.2702C>G (p.Ala901Gly)

Gene: COL6A1 (collagen type VI alpha 1 chain; plus strand). Cytogenetic location: 21q22.3.
Variant type: single nucleotide variant.
Coding change: c.2702C>G on transcript NM_001848.3 (MANE Select); coding-DNA position 2702, C replaced by G.
Protein change: p.Ala901Gly; replaces alanine 901 with glycine.
Molecular consequence: missense variant.
Genome position (GRCh38, 1-based): chr21:46,003,628, C>G. VCF-style: chr21-46003628-C-G. GRCh37 (hg19) VCF-style: chr21-47423542-C-G.
Other names: short protein forms A901G.
Identifiers: ClinVar variation 2191259 (VCV002191259.4), dbSNP rs2526354637, ClinGen allele CA410540755.

ClinVar aggregate classification (germline): Uncertain significance (1 of 4 stars; one submission).

Conditions:
Bethlem myopathy 1A. Also called: Bethlem Muscular Dystrophy; MYOPATHY, BENIGN CONGENITAL, WITH CONTRACTURES; Bethlem myopathy 1. Identifiers: Orphanet 610, MedGen CN029274, MONDO:0024530, OMIM 158810.

Allele frequency attached by ClinVar (database versions not stated): gnomAD exomes below 0.00001.
gnomAD v4.1: 1 of 1,613,038 alleles (0.000062%); highest among the groups gnomAD compares: South Asian, 0.0011%; no homozygotes.

Submission:

Labcorp Genetics (formerly Invitae), Labcorp
Classification: Uncertain significance for Bethlem myopathy 1A. Last evaluated: 2022-10-17. Review status: criteria provided, single submitter. Criteria: Invitae Variant Classification Sherloc (09022015). Collection method: clinical testing. Allele origin: germline.
Comment: In summary, the available evidence is currently insufficient to determine the role of this variant in disease. Therefore, it has been classified as a Variant of Uncertain Significance. Advanced modeling of protein sequence and biophysical properties (such as structural, functional, and spatial information, amino acid conservation, physicochemical variation, residue mobility, and thermodynamic stability) performed at Invitae indicates that this missense variant is not expected to disrupt COL6A1 protein function. This variant has not been reported in the literature in individuals affected with COL6A1-related conditions. This variant is not present in population databases (gnomAD no frequency). This sequence change replaces alanine, which is neutral and non-polar, with glycine, which is neutral and non-polar, at codon 901 of the COL6A1 protein (p.Ala901Gly).